The following is an entry in ClinVar:

ClinVar aggregate classification (germline): Pathogenic (1 of 4 stars; one submission).

Conditions:
Charcot-Marie-Tooth disease axonal type 2S. Also called: CHARCOT-MARIE-TOOTH NEUROPATHY, TYPE 2S; CHARCOT-MARIE-TOOTH DISEASE, AXONAL, AUTOSOMAL RECESSIVE, TYPE 2S. Identifiers: Orphanet 443073, MedGen C4015349, MONDO:0014511, OMIM 616155.
Autosomal recessive distal spinal muscular atrophy 1. Also called: HMN VI; NEURONOPATHY, SEVERE INFANTILE AXONAL, WITH RESPIRATORY FAILURE; Spinal muscular atrophy with respiratory distress 1; SEVERE INFANTILE AXONAL NEUROPATHY WITH RESPIRATORY FAILURE; SPINAL MUSCULAR ATROPHY, DIAPHRAGMATIC; NEURONOPATHY, DISTAL HEREDITARY MOTOR, HARDING TYPE VI. Identifiers: Orphanet 98920, MedGen C1858517, MONDO:0011436, OMIM 604320.

gnomAD v4.1: 1 of 1,596,536 alleles (0.000063%); highest among the groups gnomAD compares: South Asian, 0.0011%; no homozygotes.

Submission:

Labcorp Genetics (formerly Invitae), Labcorp
Classification: Pathogenic for Autosomal recessive distal spinal muscular atrophy 1; Charcot-Marie-Tooth disease axonal type 2S. Last evaluated: 2019-05-23. Review status: criteria provided, single submitter. Criteria: Invitae Variant Classification Sherloc (09022015). Collection method: clinical testing. Allele origin: germline.
Comment: For these reasons, this variant has been classified as Pathogenic. This variant is not present in population databases (ExAC no frequency). This variant has not been reported in the literature in individuals with IGHMBP2-related disease. Loss-of-function variants in IGHMBP2 are known to be pathogenic (PMID: 14681881, 25439726, 25568292). This sequence change creates a premature translational stop signal (p.Glu506*) in the IGHMBP2 gene. It is expected to result in an absent or disrupted protein product.

Literature cited by the submitters: PubMed 14681881; PubMed 25439726; PubMed 25568292.

NM_002180.3(IGHMBP2):c.1516G>T (p.Glu506Ter)

Gene: IGHMBP2 (immunoglobulin mu DNA binding protein 2; plus strand). Cytogenetic location: 11q13.3.
Variant type: single nucleotide variant.
Coding change: c.1516G>T on transcript NM_002180.3 (MANE Select); coding-DNA position 1516, G replaced by T.
Protein change: p.Glu506Ter; replaces glutamic acid 506 with a stop codon.
Molecular consequence: nonsense.
Genome position (GRCh38, 1-based): chr11:68,933,892, G>T. VCF-style: chr11-68933892-G-T. GRCh37 (hg19) VCF-style: chr11-68701360-G-T.
Other names: short protein forms E506*.
Identifiers: ClinVar variation 574350 (VCV000574350.9), dbSNP rs556292818, ClinGen allele CA381650252.
Genomic context (GRCh38, chr11:68,933,892, plus strand): 5'-GTGCCCCTGCTCTTGGTGGACACCGCCGGCTGCGGGCTGTTTGAGCTGGAGGAGGAGGAC[G>T]AACAGTCGAAAGGGAACCCTGGTGAGCTTGCTTGCAGATGGCCAGCTTTTTTGTTTAAAC-3'